The following is an entry in ClinVar:

ClinVar aggregate classification (germline): Uncertain significance. Review status: criteria provided, multiple submitters, no conflicts (2 of 4 stars). 7 submissions from 7 submitters: Uncertain significance (6). 1 of the submissions does not count toward it. Last evaluated 2026-01-25.

Conditions:
PLN-related disorder. Also called: PLN-related condition.
Cardiovascular phenotype. Identifiers: MedGen CN230736.
Dilated cardiomyopathy 1P (CMD1P). Identifiers: Orphanet 154, MedGen C1835928, MONDO:0012362, OMIM 609909.
Hypertrophic cardiomyopathy 18. Identifiers: MedGen C3151265, MONDO:0013475, OMIM 613874.

Allele frequency attached by ClinVar (database versions not stated): gnomAD 0.00001; gnomAD exomes 0.00004; ExAC 0.00006; TOPMed 0.00006.
gnomAD v4.1: 38 of 1,611,580 alleles (0.0024%); highest among the groups gnomAD compares: Admixed American, 0.0067%; no homozygotes.

Submissions (7):

Labcorp Genetics (formerly Invitae), Labcorp
Classification: Uncertain significance for Dilated cardiomyopathy 1P. Last evaluated: 2026-01-25. Review status: criteria provided, single submitter. Criteria: Invitae Variant Classification Sherloc (09022015). Collection method: clinical testing. Allele origin: germline.
Comment: This sequence change replaces proline, which is neutral and non-polar, with threonine, which is neutral and polar, at codon 21 of the PLN protein (p.Pro21Thr). This variant is present in population databases (rs397516786, gnomAD 0.01%). This missense change has been observed in individual(s) with dilated cardiomyopathy (PMID: 27532257, 30871747, 37652022). ClinVar contains an entry for this variant (Variation ID: 44582). An algorithm developed to predict the effect of missense changes on protein structure and function (PolyPhen-2) suggests that this variant is likely to be disruptive. Experimental studies have shown that this missense change affects PLN function (PMID: 38387507). In summary, the available evidence is currently insufficient to determine the role of this variant in disease. Therefore, it has been classified as a Variant of Uncertain Significance.

PreventionGenetics, part of Exact Sciences
Classification: Uncertain significance for PLN-related condition. Last evaluated: 2025-12-04. Review status: criteria provided, single submitter. Criteria: ACMG Guidelines, 2015. Collection method: clinical testing. Allele origin: germline.
Comment: The PLN c.61C>A variant is predicted to result in the amino acid substitution p.Pro21Thr. This variant has been reported in individuals with dilated cardiomyopathy (Table S3, Pugh et al. 2014. PubMed ID: 24503780; Table S1B, Walsh et al. 2017. PubMed ID: 27532257; Sousa et al. 2019. PubMed ID: 30871747; Table S9, McGurk et al. 2023. PubMed ID: 37652022). In vitro experimental studies indicate that this variant impairs protein function (Armanious et al. 2024. PubMed ID: 38387507). This variant is reported in 0.012% of alleles in individuals of Latino descent in gnomAD. At this time, the clinical significance of this variant is uncertain due to the absence of conclusive functional and genetic evidence.

Ambry Genetics
Classification: Uncertain significance for Cardiovascular phenotype. Last evaluated: 2025-05-12. Review status: criteria provided, single submitter. Criteria: Ambry Variant Classification Scheme 2023. Collection method: clinical testing. Allele origin: germline.
Comment: The p.P21T variant (also known as c.61C>A), located in coding exon 1 of the PLN gene, results from a C to A substitution at nucleotide position 61. The proline at codon 21 is replaced by threonine, an amino acid with highly similar properties. This alteration was reported in individual(s) with dilated cardiomyopathy (DCM) (Pugh TJ et al. Genet Med, 2014 Aug;16:601-8; Sousa A et al. Cardiol Res Pract, 2019 Apr;2019:2743650). This amino acid position is well conserved in available vertebrate species. In addition, the in silico prediction for this alteration is inconclusive. Based on the available evidence, the clinical significance of this variant remains unclear.

Molecular Diagnostic Laboratory for Inherited Cardiovascular Disease, Montreal Heart Institute
Classification: Uncertain significance for Cardiovascular phenotype. Last evaluated: 2025-04-08. Review status: criteria provided, single submitter. Criteria: ACMG Guidelines, 2015. Collection method: clinical testing. Allele origin: germline. Affected: yes.
Comment: PM2, PS4_supp

Blueprint Genetics
Classification: Uncertain significance. Last evaluated: 2023-10-19. Review status: criteria provided, single submitter. Criteria: ACMG Guidelines, 2015. Collection method: clinical testing. Allele origin: germline.

Fulgent Genetics
Classification: Uncertain significance for Dilated cardiomyopathy 1P; Hypertrophic cardiomyopathy 18. Last evaluated: 2021-12-30. Review status: criteria provided, single submitter. Criteria: ACMG Guidelines, 2015. Collection method: clinical testing. Allele origin: unknown.

Laboratory for Molecular Medicine, Mass General Brigham Personalized Medicine
Classification: Uncertain significance. Last evaluated: 2008-03-01. Review status: no assertion criteria provided. Collection method: clinical testing. Allele origin: germline. Observed: 1 variant allele. Not counted in ClinVar's aggregate classification.

Literature cited by the submitters: PubMed 27532257 (cited by Labcorp Genetics (formerly Invitae), Labcorp and Ambry Genetics); PubMed 30871747 (cited by Labcorp Genetics (formerly Invitae), Labcorp); PubMed 37652022 (cited by Labcorp Genetics (formerly Invitae), Labcorp); PubMed 38387507 (cited by Labcorp Genetics (formerly Invitae), Labcorp); PubMed 24503780 (cited by Ambry Genetics); PubMed 31179125 (cited by Ambry Genetics).

NM_002667.5(PLN):c.61C>A (p.Pro21Thr)

Genes: CEP85L (centrosomal protein 85L; minus strand), PLN (phospholamban; plus strand). Cytogenetic location: 6q22.31.
Variant type: single nucleotide variant.
Coding change: c.61C>A on transcript NM_002667.5 (MANE Select); coding-DNA position 61, C replaced by A.
Protein change: p.Pro21Thr; replaces proline 21 with threonine.
Molecular consequence: missense variant. On other transcripts: intron variant (3).
Genome position (GRCh38, 1-based): chr6:118,558,982, C>A. VCF-style: chr6-118558982-C-A. GRCh37 (hg19) VCF-style: chr6-118880145-C-A.
Other names: c.1029+6547G>T (NM_001178035.2); c.1020+6547G>T (NM_001042475.3, NM_206921.3); c.61C>A (NM_002667.4); short protein forms P21T.
Identifiers: ClinVar variation 44582 (VCV000044582.20), dbSNP rs397516786, ClinGen allele CA134584.